The following is an entry in ClinVar:

ClinVar aggregate classification (germline): Uncertain significance (1 of 4 stars; one submission).

Conditions:
Inborn genetic diseases. Identifiers: MedGen C0950123, MeSH D030342.

gnomAD v4.1: 1 of 1,610,564 alleles (0.000062%); highest among the groups gnomAD compares: Non-Finnish European, 0.000085%; no homozygotes.

Submission:

Ambry Genetics
Classification: Uncertain significance for Inborn genetic diseases. Last evaluated: 2025-04-18. Review status: criteria provided, single submitter. Criteria: Ambry Variant Classification Scheme 2023. Collection method: clinical testing. Allele origin: germline.
Comment: The p.S965T variant (also known as c.2894G>C), located in coding exon 19 of the PIK3CA gene, results from a G to C substitution at nucleotide position 2894. The serine at codon 965 is replaced by threonine, an amino acid with similar properties. This amino acid position is conserved. In addition, the in silico prediction for this alteration is inconclusive. Based on the available evidence, the clinical significance of this variant remains unclear.

NM_006218.4(PIK3CA):c.2894G>C (p.Ser965Thr)

Gene: PIK3CA (phosphatidylinositol-4,5-bisphosphate 3-kinase catalytic subunit alpha; plus strand). Cytogenetic location: 3q26.32.
Variant type: single nucleotide variant.
Coding change: c.2894G>C on transcript NM_006218.4 (MANE Select); coding-DNA position 2894, G replaced by C.
Protein change: p.Ser965Thr; replaces serine 965 with threonine.
Molecular consequence: missense variant.
Genome position (GRCh38, 1-based): chr3:179,230,334, G>C. VCF-style: chr3-179230334-G-C. GRCh37 (hg19) VCF-style: chr3-178948122-G-C.
Other names: short protein forms S965T.
Identifiers: ClinVar variation 3932398 (VCV003932398.1).
Genomic context (GRCh38, chr3:179,230,334, plus strand): 5'-TTGGTTATAAACGAGAACGTGTGCCATTTGTTTTGACACAGGATTTCTTAATAGTGATTA[G>C]TAAAGGAGCCCAAGAATGCACAAAGACAAGAGAATTTGAGAGGTGAGCTCGAGCAATTAA-3'
Protein context (NP_006209.2, residues 955-975): VLTQDFLIVI[Ser965Thr]KGAQECTKTR